The following is an entry in ClinVar:

ClinVar aggregate classification (germline): Uncertain significance. Review status: criteria provided, multiple submitters, no conflicts (2 of 4 stars). 8 submissions from 8 submitters: Uncertain significance (8). Last evaluated 2026-09-02.

Conditions:
Monosomy 7 myelodysplasia and leukemia syndrome 2. Identifiers: MedGen C5436668, MONDO:0030801, OMIM 619041.
Inborn genetic diseases. Identifiers: MedGen C0950123, MeSH D030342.
SAMD9-related disorder. Also called: SAMD9-related condition.
MIRAGE syndrome. Also called: MYELODYSPLASIA, INFECTION, RESTRICTION OF GROWTH, ADRENAL HYPOPLASIA, GENITAL PHENOTYPES, AND ENTEROPATHY. Identifiers: Orphanet 494433, MedGen C4284088, MONDO:0014888, OMIM 617053.
Normophosphatemic familial tumoral calcinosis. Also called: CALCINOSIS, TUMORAL, WITH NORMOPHOSPHATEMIA. Identifiers: Orphanet 306658, Orphanet 53715, MedGen C1864861, MONDO:0012502, OMIM 610455.

Allele frequency attached by ClinVar (database versions not stated): TOPMed 0.00017; ExAC 0.00021; gnomAD exomes 0.00022; gnomAD 0.00023 and 0.00026; ESP Exome Variant Server 0.00031.
gnomAD v4.1: 365 of 1,613,184 alleles (0.023%); highest among the groups gnomAD compares: Non-Finnish European, 0.029%; no homozygotes.

Submissions (8):

Myriad Genetics, Inc.
Classification: Uncertain significance for Normophosphatemic familial tumoral calcinosis. Last evaluated: 2026-09-02. Review status: criteria provided, single submitter. Criteria: Myriad Autosomal Dominant, Autosomal Recessive and X-Linked Classification Criteria (2023). Collection method: clinical testing. Allele origin: unknown.
Comment: NM_017654.3(SAMD9):c.4001G>T(R1334I) is a missense variant classified as a variant of uncertain significance in the context of normophosphatemic familial tumoral calcinosis. R1334I has not been observed in cases with relevant disease. Relevant functional assessments of this variant are not available in the literature. R1334I has been observed in referenced population frequency databases. In summary, there is insufficient evidence to classify NM_017654.3(SAMD9):c.4001G>T(R1334I) as pathogenic or benign. Please note: this variant was assessed in the context of healthy population screening.

PreventionGenetics, part of Exact Sciences
Classification: Uncertain significance for SAMD9-related condition. Last evaluated: 2026-04-20. Review status: criteria provided, single submitter. Criteria: ACMG Guidelines, 2015. Collection method: clinical testing. Allele origin: germline.
Comment: The SAMD9 c.4001G>T variant is predicted to result in the amino acid substitution p.Arg1334Ile. To our knowledge, this variant has not been reported in the literature. This variant is reported in 0.040% of alleles in individuals of European (Non-Finnish) descent in gnomAD. In ClinVar, this variant is interpreted as uncertain by multiple laboratories (Variation ID: 1336034). At this time, the clinical significance of this variant is uncertain due to the absence of conclusive functional and genetic evidence.

Labcorp Genetics (formerly Invitae), Labcorp
Classification: Uncertain significance. Last evaluated: 2026-01-14. Review status: criteria provided, single submitter. Criteria: Invitae Variant Classification Sherloc (09022015). Collection method: clinical testing. Allele origin: germline.
Comment: This sequence change replaces arginine, which is basic and polar, with isoleucine, which is neutral and non-polar, at codon 1334 of the SAMD9 protein (p.Arg1334Ile). This variant is present in population databases (rs141248575, gnomAD 0.04%). This variant has not been reported in the literature in individuals affected with SAMD9-related conditions. ClinVar contains an entry for this variant (Variation ID: 1336034). Invitae Evidence Modeling of protein sequence and biophysical properties (such as structural, functional, and spatial information, amino acid conservation, physicochemical variation, residue mobility, and thermodynamic stability) indicates that this missense variant is not expected to disrupt SAMD9 protein function with a negative predictive value of 95%. In summary, the available evidence is currently insufficient to determine the role of this variant in disease. Therefore, it has been classified as a Variant of Uncertain Significance.

GeneDx
Classification: Uncertain significance. Last evaluated: 2025-03-31. Review status: criteria provided, single submitter. Criteria: GeneDx Variant Classification Process June 2021. Collection method: clinical testing. Allele origin: germline. Affected: yes.
Comment: In silico analysis supports that this missense variant has a deleterious effect on protein structure/function; Has not been previously published as pathogenic or benign to our knowledge

Ambry Genetics
Classification: Uncertain significance for Inborn genetic diseases. Last evaluated: 2024-10-04. Review status: criteria provided, single submitter. Criteria: Ambry Variant Classification Scheme 2023. Collection method: clinical testing. Allele origin: germline.
Comment: The p.R1334I variant (also known as c.4001G>T), located in coding exon 1 of the SAMD9 gene, results from a G to T substitution at nucleotide position 4001. The arginine at codon 1334 is replaced by isoleucine, an amino acid with similar properties. This amino acid position is conserved. In addition, this alteration is predicted to be tolerated by in silico analysis. Based on the available evidence, the clinical significance of this variant remains unclear.

St. Jude Molecular Pathology, St. Jude Children's Research Hospital
Classification: Uncertain significance for Monosomy 7 myelodysplasia and leukemia syndrome 2. Last evaluated: 2023-03-29. Review status: criteria provided, single submitter. Criteria: St. Jude Assertion Criteria 2020. Collection method: clinical testing. Allele origin: germline.
Comment: The SAMD9 c.4001G>T (p.Arg1334Ile) missense change has a maximum subpopulation frequency of 0.040% in gnomAD v2.1.1. The in silico tool REVEL predicts a benign effect on protein function, but to our knowledge this prediction has not been confirmed by functional studies. However, in silico predictions have not been found to correlate with syndromic risk and are thus not considered supporting evidence of a pathogenic or benign effect (PMID: 34621053). To our knowledge, this variant has not been reported in individuals with SAMD9-associated conditions. In summary, the evidence currently available is insufficient to determine the clinical significance of this variant. It has therefore been classified as of uncertain significance.

Department of Pathology and Laboratory Medicine, Sinai Health System
Classification: Uncertain significance for Normophosphatemic familial tumoral calcinosis; MIRAGE syndrome; Monosomy 7 myelodysplasia and leukemia syndrome 2. Last evaluated: 2023-02-06. Review status: criteria provided, single submitter. Criteria: ACMG Guidelines, 2015. Collection method: research. Allele origin: germline.

Genetic Services Laboratory, University of Chicago
Classification: Uncertain significance. Last evaluated: 2021-05-05. Review status: criteria provided, single submitter. Criteria: ACMG Guidelines, 2015. Collection method: clinical testing. Allele origin: germline. Affected: no.
Comment: DNA sequence analysis of the SAMD9 gene demonstrated a sequence change, c.4001G>T, in exon 3 that results in an amino acid change, p.Arg1334Ile. This sequence change does not appear to have been previously described in patients with SAMD9-related disorders and has been described in the gnomAD database with a low population frequency of 0.040% in the non-Finnsh European subpopulation (dbSNP rs141248575). The p.Arg1334Ile change affects a poorly conserved amino acid residue located in a domain of the SAMD9 protein that is not known to be functional. In-silico pathogenicity prediction tools (SIFT, PolyPhen2, Align GVGD, REVEL) provide contradictory results for the p.Arg1334Ile substitution. Due to these contrasting evidences and the lack of functional studies, the clinical significance of the p.Arg1334Ile change remains unknown at this time

NM_017654.4(SAMD9):c.4001G>T (p.Arg1334Ile)

Gene: SAMD9 (sterile alpha motif domain containing 9; minus strand). Cytogenetic location: 7q21.2.
Variant type: single nucleotide variant.
Coding change: c.4001G>T on transcript NM_017654.4 (MANE Select); coding-DNA position 4001, G replaced by T.
Protein change: p.Arg1334Ile; replaces arginine 1334 with isoleucine.
Molecular consequence: missense variant.
Genome position (GRCh38, 1-based): chr7:93,102,097, C>A on the plus strand (G>T on the coding strand, the complement: SAMD9 is on the minus strand). VCF-style: chr7-93102097-C-A. GRCh37 (hg19) VCF-style: chr7-92731410-C-A.
Other names: c.4001G>T, p.Arg1334Ile (NM_001193307.2); short protein forms R1334I.
Identifiers: ClinVar variation 1336034 (VCV001336034.20), dbSNP rs141248575, ClinGen allele CA4342610.